The following is an entry in ClinVar:

NM_014225.6(PPP2R1A):c.1072A>G (p.Lys358Glu)

Gene: PPP2R1A (protein phosphatase 2 scaffold subunit Aalpha; plus strand). Cytogenetic location: 19q13.41.
Variant type: single nucleotide variant.
Coding change: c.1072A>G on transcript NM_014225.6 (MANE Select); coding-DNA position 1072, A replaced by G.
Protein change: p.Lys358Glu; replaces lysine 358 with glutamic acid.
Molecular consequence: missense variant. On other transcripts: non-coding transcript variant (1).
Genome position (GRCh38, 1-based): chr19:52,216,607, A>G. VCF-style: chr19-52216607-A-G. GRCh37 (hg19) VCF-style: chr19-52719860-A-G.
Other names: c.535A>G, p.Lys179Glu (NM_001363656.2); short protein forms K179E, K358E.
Identifiers: ClinVar variation 2728161 (VCV002728161.3), dbSNP rs1978589380, ClinGen allele CA16040254.
Genomic context (GRCh38, chr19:52,216,607, plus strand): 5'-AACCAACATGTCAAGTCTGCCCTGGCCTCAGTCATCATGGGTCTCTCTCCCATCTTGGGC[A>G]AAGACAACACCATCGAGCACCTCTTGCCCCTCTTCCTGGCTCAGCTGAAGGATGAGGTAA-3'
Protein context (NP_055040.2, residues 348-368): VIMGLSPILG[Lys358Glu]DNTIEHLLPL

ClinVar aggregate classification (germline): Uncertain significance (1 of 4 stars; one submission).

Submission:

Labcorp Genetics (formerly Invitae), Labcorp
Classification: Uncertain significance. Last evaluated: 2024-10-14. Review status: criteria provided, single submitter. Criteria: Invitae Variant Classification Sherloc (09022015). Collection method: clinical testing. Allele origin: germline.
Comment: This sequence change replaces lysine, which is basic and polar, with glutamic acid, which is acidic and polar, at codon 358 of the PPP2R1A protein (p.Lys358Glu). This variant is not present in population databases (gnomAD no frequency). This variant has not been reported in the literature in individuals affected with PPP2R1A-related conditions. An algorithm developed to predict the effect of missense changes on protein structure and function (PolyPhen-2) suggests that this variant is likely to be tolerated. In summary, the available evidence is currently insufficient to determine the role of this variant in disease. Therefore, it has been classified as a Variant of Uncertain Significance.